The following is an entry in ClinVar:

NM_001197104.2(KMT2A):c.11246G>T (p.Arg3749Leu)

Genes: KMT2A (lysine methyltransferase 2A; plus strand), TTC36-AS1 (TTC36 and KMT2A antisense RNA 1; minus strand). Cytogenetic location: 11q23.3.
Variant type: single nucleotide variant.
Coding change: c.11246G>T on transcript NM_001197104.2 (MANE Select); coding-DNA position 11246, G replaced by T.
Protein change: p.Arg3749Leu; replaces arginine 3749 with leucine.
Molecular consequence: missense variant.
Genome position (GRCh38, 1-based): chr11:118,519,717, G>T. VCF-style: chr11-118519717-G-T. GRCh37 (hg19) VCF-style: chr11-118390432-G-T.
Other names: c.11336G>T, p.Arg3779Leu (NM_001412597.1); c.11237G>T, p.Arg3746Leu (NM_005933.4); short protein forms R3746L, R3749L, R3779L.
Identifiers: ClinVar variation 4882641 (VCV004882641.2).

ClinVar aggregate classification (germline): Uncertain significance (1 of 4 stars; one submission).

Conditions:
Wiedemann-Steiner syndrome (WDSTS). Also called: Growth deficiency and mental retardation with facial dysmorphism. Identifiers: Orphanet 319182, MedGen C1854630, MONDO:0011518, OMIM 605130.

Submission:

Dasa
Classification: Uncertain significance for Wiedemann-Steiner syndrome. Last evaluated: 2025-10-03. Review status: criteria provided, single submitter. Criteria: DASA Assertion Criteria. Collection method: clinical testing. Allele origin: germline.
Comment: NM_001197104.2(KMT2A):c.11246G>T (p.Arg3749Leu) is a missense variant that results in the substitution of arginine with leucine. This variant is absent from population databases. The currently available literature and clinical evidence are not sufficient to establish a definitive association between this variant and the reported condition. Therefore, this variant is classified as a variant of uncertain significance.